The following is an entry in ClinVar:

ClinVar aggregate classification (germline): Uncertain significance (1 of 4 stars; one submission).

Allele frequency attached by ClinVar (database versions not stated): gnomAD exomes 0.00001; TOPMed 0.00001.

Submission:

Labcorp Genetics (formerly Invitae), Labcorp
Classification: Uncertain significance. Last evaluated: 2022-08-31. Review status: criteria provided, single submitter. Criteria: Invitae Variant Classification Sherloc (09022015). Collection method: clinical testing. Allele origin: germline.
Comment: This sequence change falls in intron 25 of the COL13A1 gene. It does not directly change the encoded amino acid sequence of the COL13A1 protein. This variant is present in population databases (no rsID available, gnomAD 0.009%). This variant has not been reported in the literature in individuals affected with COL13A1-related conditions. ClinVar contains an entry for this variant (Variation ID: 1473178). Algorithms developed to predict the effect of sequence changes on RNA splicing suggest that this variant may disrupt the consensus splice site. In summary, the available evidence is currently insufficient to determine the role of this variant in disease. Therefore, it has been classified as a Variant of Uncertain Significance.

NM_001368882.1(COL13A1):c.1399-11T>A

Gene: COL13A1 (collagen type XIII alpha 1 chain; plus strand). Cytogenetic location: 10q22.1.
Variant type: single nucleotide variant.
Coding change: c.1399-11T>A on transcript NM_001368882.1 (MANE Select); 11 bases into the intron before coding-DNA position 1399, T replaced by A.
Molecular consequence: intron variant.
Genome position (GRCh38, 1-based): chr10:69,927,076, T>A. VCF-style: chr10-69927076-T-A. GRCh37 (hg19) VCF-style: chr10-71686832-T-A.
Other names: c.1336-11T>A (NM_001320951.2, NM_001368884.1); c.1366-11T>A (NM_001130103.2); c.1300-11T>A (NM_080801.4, NM_080802.4, NM_001368885.1); c.1309-11T>A (NM_080800.4, NM_001368895.1); c.736-11T>A (NM_001368886.1); c.1363-11T>A (NM_001368883.1); c.1213-11T>A (NM_080805.4); c.1222-11T>A (NM_001368897.1); and 1 more.
Identifiers: ClinVar variation 1473178 (VCV001473178.5), dbSNP rs1247422739, ClinGen allele CA470029803.